The following is an entry in ClinVar:

NM_001122681.2(SH3BP2):c.416_417delinsTG (p.Pro139Leu)

Gene: SH3BP2 (SH3 domain binding protein 2; plus strand). Cytogenetic location: 4p16.3.
Variant type: Indel.
Coding change: c.416_417delinsTG on transcript NM_001122681.2 (MANE Select); coding-DNA positions 416 to 417, CC replaced by TG.
Protein change: p.Pro139Leu; replaces proline 139 with leucine.
Molecular consequence: missense variant.
Genome position (GRCh38, 1-based): chr4:2,825,184-2,825,185, CC replaced by TG. VCF-style: chr4-2825184-CC-TG. GRCh37 (hg19) VCF-style: chr4-2826911-CC-TG.
Other names: c.500_501delinsTG, p.Pro167Leu (NM_001145855.2); c.587_588delinsTG, p.Pro196Leu (NM_001145856.2); c.416_417delinsTG, p.Pro139Leu (NM_003023.4); short protein forms P196L, P167L, P139L.
Identifiers: ClinVar variation 4710114 (VCV004710114.1).

ClinVar aggregate classification (germline): Uncertain significance (1 of 4 stars; one submission).

Conditions:
Fibrous dysplasia of jaw (CRBM). Also called: Cherubism. Identifiers: Orphanet 184, MedGen C0008029, MONDO:0007315, OMIM 118400.

Submission:

Labcorp Genetics (formerly Invitae), Labcorp
Classification: Uncertain significance for Fibrous dysplasia of jaw. Last evaluated: 2025-06-17. Review status: criteria provided, single submitter. Criteria: Invitae Variant Classification Sherloc (09022015). Collection method: clinical testing. Allele origin: germline.
Comment: This sequence change replaces proline, which is neutral and non-polar, with leucine, which is neutral and non-polar, at codon 139 of the SH3BP2 protein (p.Pro139Leu). The frequency data for this variant in the population databases is considered unreliable, as metrics indicate poor data quality at this position in the gnomAD database. This variant has not been reported in the literature in individuals affected with SH3BP2-related conditions. An algorithm developed to predict the effect of missense changes on protein structure and function (PolyPhen-2) suggests that this variant is likely to be tolerated. In summary, the available evidence is currently insufficient to determine the role of this variant in disease. Therefore, it has been classified as a Variant of Uncertain Significance.